The following is an entry in ClinVar:

ClinVar aggregate classification (germline): Benign. Review status: criteria provided, multiple submitters, no conflicts (2 of 4 stars). 2 submissions from 2 submitters: Benign (2). Last evaluated 2024-07-31.

Allele frequency attached by ClinVar (database versions not stated): gnomAD 0.50641 and 0.52103; TOPMed 0.50789; gnomAD exomes 0.54307; 1000 Genomes Project 30x 0.60478; 1000 Genomes Project 0.61601.
gnomAD v4.1: 780,967 of 1,442,894 alleles (54%); highest among the groups gnomAD compares: East Asian, 81%; 218,041 homozygotes.

Submissions (2):

Unidad de Genómica Garrahan, Hospital de Pediatría Garrahan
Classification: Benign. Last evaluated: 2024-07-31. Review status: criteria provided, single submitter. Criteria: ACMG Guidelines, 2015. Collection method: clinical testing. Allele origin: germline. Affected: no. Observed: 75 variant alleles.
Comment: This variant is classified as Benign based on local population frequency. This variant was detected in 81% of patients studied in a panel designed for Epileptic and Developmental Encephalopathy, Progressive Myoclonus Epilepsy and Abnormal Movements and Neurodegeneration with brain iron accumulation. Number of patients: 75. Only high quality variants are reported.

GeneDx
Classification: Benign. Last evaluated: 2018-06-23. Review status: criteria provided, single submitter. Criteria: GeneDx Variant Classification Process June 2021. Collection method: clinical testing. Allele origin: germline. Affected: yes.

NM_020442.6(VARS2):c.1633-106G>A

Gene: VARS2 (valyl-tRNA synthetase 2, mitochondrial; plus strand). Cytogenetic location: 6p21.33.
Variant type: single nucleotide variant.
Coding change: c.1633-106G>A on transcript NM_020442.6 (MANE Select); 106 bases into the intron before coding-DNA position 1633, G replaced by A.
Molecular consequence: intron variant.
Genome position (GRCh38, 1-based): chr6:30,921,483, G>A. VCF-style: chr6-30921483-G-A. GRCh37 (hg19) VCF-style: chr6-30889260-G-A.
Other names: c.1723-106G>A (NM_001167734.2); c.1213-106G>A (NM_001167733.3).
Identifiers: ClinVar variation 1264235 (VCV001264235.4), dbSNP rs2517467, ClinGen allele CA12265434.
Genomic context (GRCh38, chr6:30,921,483, plus strand): 5'-CATGTAACCTTCTGCGCGATCAAGGCTCCCTGAAGTGGCATTTCTTTATCTCACCCCTGG[G>A]GGAACCTGGCCACTCTAAGACCACATGAGGACGTGAAAACCAAGTGACATTTACACCTGT-3'